The following is an entry in ClinVar:

NM_001142800.2(EYS):c.8946A>G (p.Ile2982Met)

Genes: EYS (EGF-like photoreceptor maintenance factor; minus strand), PHF3 (PHD finger protein 3; plus strand). Cytogenetic location: 6q12.
Variant type: single nucleotide variant.
Coding change: c.8946A>G on transcript NM_001142800.2 (MANE Select); coding-DNA position 8946, A replaced by G.
Protein change: p.Ile2982Met; replaces isoleucine 2982 with methionine.
Molecular consequence: missense variant. On other transcripts: 3 prime UTR variant (5).
Genome position (GRCh38, 1-based): chr6:63,721,085, T>C on the plus strand (A>G on the coding strand, the complement: EYS is on the minus strand). VCF-style: chr6-63721085-T-C. GRCh37 (hg19) VCF-style: chr6-64430981-T-C.
Other names: c.*7377T>C (NM_001290259.2, NM_001370348.2, NM_001370349.2 and 2 more transcripts); c.9009A>G, p.Ile3003Met (NM_001292009.2); short protein forms I2982M, I3003M.
Identifiers: ClinVar variation 968567 (VCV000968567.9), dbSNP rs1197940044, ClinGen allele CA364383608.

ClinVar aggregate classification (germline): Uncertain significance. Review status: criteria provided, single submitter (1 of 4 stars). 2 submissions from 2 submitters: Uncertain significance (1). 1 of the submissions does not count toward it. Last evaluated 2023-10-13.

Conditions:
Retinitis pigmentosa 25 (RP25). Identifiers: Orphanet 791, MedGen C1864446, MONDO:0011272, OMIM 602772.

Allele frequency attached by ClinVar (database versions not stated): gnomAD exomes 0.00001.

Submissions (2):

Labcorp Genetics (formerly Invitae), Labcorp
Classification: Uncertain significance. Last evaluated: 2023-10-13. Review status: criteria provided, single submitter. Criteria: Invitae Variant Classification Sherloc (09022015). Collection method: clinical testing. Allele origin: germline.
Comment: This sequence change replaces isoleucine, which is neutral and non-polar, with methionine, which is neutral and non-polar, at codon 2982 of the EYS protein (p.Ile2982Met). This variant is present in population databases (no rsID available, gnomAD 0.01%). This variant has not been reported in the literature in individuals affected with EYS-related conditions. ClinVar contains an entry for this variant (Variation ID: 968567). Advanced modeling of protein sequence and biophysical properties (such as structural, functional, and spatial information, amino acid conservation, physicochemical variation, residue mobility, and thermodynamic stability) has been performed at Invitae for this missense variant, however the output from this modeling did not meet the statistical confidence thresholds required to predict the impact of this variant on EYS protein function. In summary, the available evidence is currently insufficient to determine the role of this variant in disease. Therefore, it has been classified as a Variant of Uncertain Significance.

Natera, Inc.
Classification: Uncertain significance for Retinitis pigmentosa type 25. Last evaluated: 2020-10-29. Review status: no assertion criteria provided. Collection method: clinical testing. Allele origin: germline. Not counted in ClinVar's aggregate classification.